The following is an entry in ClinVar:

ClinVar aggregate classification (germline): Uncertain significance. Review status: criteria provided, multiple submitters, no conflicts (2 of 4 stars). 3 submissions from 3 submitters: Uncertain significance (3). Last evaluated 2026-01-25.

Conditions:
Autosomal recessive osteopetrosis 1. Also called: TCIRG1-Related Osteopetrosis; ALBERS-SCHONBERG DISEASE, AUTOSOMAL RECESSIVE; TCIRG1-Related Autosomal Recessive Osteopetrosis. Identifiers: Orphanet 667, MedGen C1850127, MONDO:0009815, OMIM 259700.

Allele frequency attached by ClinVar (database versions not stated): TOPMed 0.00025; ExAC 0.00005; gnomAD exomes 0.00005 and 0.00006; ESP Exome Variant Server 0.00015; 1000 Genomes Project 30x 0.00016; 1000 Genomes Project 0.00020; gnomAD 0.00020 and 0.00022.

Submissions (3):

Labcorp Genetics (formerly Invitae), Labcorp
Classification: Uncertain significance. Last evaluated: 2026-01-25. Review status: criteria provided, single submitter. Criteria: Invitae Variant Classification Sherloc (09022015). Collection method: clinical testing. Allele origin: germline.
Comment: This sequence change replaces threonine, which is neutral and polar, with methionine, which is neutral and non-polar, at codon 570 of the TCIRG1 protein (p.Thr570Met). This variant is present in population databases (rs61730880, gnomAD 0.03%). This variant has not been reported in the literature in individuals affected with TCIRG1-related conditions. ClinVar contains an entry for this variant (Variation ID: 305810). Invitae Evidence Modeling of protein sequence and biophysical properties (such as structural, functional, and spatial information, amino acid conservation, physicochemical variation, residue mobility, and thermodynamic stability) indicates that this missense variant is expected to disrupt TCIRG1 protein function with a positive predictive value of 80%. In summary, the available evidence is currently insufficient to determine the role of this variant in disease. Therefore, it has been classified as a Variant of Uncertain Significance.

CeGaT Center for Human Genetics Tuebingen
Classification: Uncertain significance. Last evaluated: 2023-10-01. Review status: criteria provided, single submitter. Criteria: CeGaT Center For Human Genetics Tuebingen Variant Classification Criteria Version 2. Collection method: clinical testing. Allele origin: germline. Affected: yes. Observed: 1 variant allele.

Illumina Laboratory Services, Illumina
Classification: Uncertain significance for Autosomal recessive osteopetrosis 1. Last evaluated: 2018-01-13. Review status: criteria provided, single submitter. Criteria: ICSL Variant Classification Criteria 13 December 2019. Collection method: clinical testing. Allele origin: germline.

NM_006019.4(TCIRG1):c.1709C>T (p.Thr570Met)

Gene: TCIRG1 (T cell immune regulator 1, ATPase H+ transporting V0 subunit a3; plus strand). Cytogenetic location: 11q13.2.
Variant type: single nucleotide variant.
Coding change: c.1709C>T on transcript NM_006019.4 (MANE Select); coding-DNA position 1709, C replaced by T.
Protein change: p.Thr570Met; replaces threonine 570 with methionine.
Molecular consequence: missense variant.
Genome position (GRCh38, 1-based): chr11:68,049,116, C>T. VCF-style: chr11-68049116-C-T. GRCh37 (hg19) VCF-style: chr11-67816583-C-T.
Other names: c.815C>T, p.Thr272Met (NM_001351059.2); c.1061C>T, p.Thr354Met (NM_006053.4); short protein forms T570M, T272M, T354M.
Identifiers: ClinVar variation 305810 (VCV000305810.32), dbSNP rs61730880, ClinGen allele CA6147244.
Genomic context (GRCh38, chr11:68,049,116, plus strand): 5'-AGCACACCTCCCTCTTGCCCGCCAGGCACTTTGGCCAGAGGCACCGGCTGCTGCTGGAGA[C>T]GCTGCCGGAGCTCACCTTCCTGCTGGGACTCTTCGGTTACCTCGTGTTCCTAGTCATCTA-3'
Protein context (NP_006010.2, residues 560-580): FGQRHRLLLE[Thr570Met]LPELTFLLGL